The following is an entry in ClinVar:

NM_031935.3(HMCN1):c.7685G>A (p.Ser2562Asn)

Gene: HMCN1 (hemicentin 1; plus strand). Cytogenetic location: 1q31.1.
Variant type: single nucleotide variant.
Coding change: c.7685G>A on transcript NM_031935.3 (MANE Select); coding-DNA position 7685, G replaced by A.
Protein change: p.Ser2562Asn; replaces serine 2562 with asparagine.
Molecular consequence: missense variant.
Genome position (GRCh38, 1-based): chr1:186,065,409, G>A. VCF-style: chr1-186065409-G-A. GRCh37 (hg19) VCF-style: chr1-186034541-G-A.
Other names: short protein forms S2562N.
Identifiers: ClinVar variation 2414585 (VCV002414585.6), dbSNP rs576937036, ClinGen allele CA1292908.

ClinVar aggregate classification (germline): Uncertain significance (1 of 4 stars; one submission).

Allele frequency attached by ClinVar (database versions not stated): TOPMed below 0.00001; gnomAD 0.00001; gnomAD exomes 0.00005; ExAC 0.00009; 1000 Genomes Project 30x 0.00016; 1000 Genomes Project 0.00020.
gnomAD v4.1: 67 of 1,606,918 alleles (0.0042%); highest among the groups gnomAD compares: South Asian, 0.071%; 1 homozygote.

Submission:

Labcorp Genetics (formerly Invitae), Labcorp
Classification: Uncertain significance. Last evaluated: 2024-02-17. Review status: criteria provided, single submitter. Criteria: Invitae Variant Classification Sherloc (09022015). Collection method: clinical testing. Allele origin: germline.
Comment: This sequence change replaces serine, which is neutral and polar, with asparagine, which is neutral and polar, at codon 2562 of the HMCN1 protein (p.Ser2562Asn). This variant is present in population databases (rs576937036, gnomAD 0.05%), and has an allele count higher than expected for a pathogenic variant. This variant has not been reported in the literature in individuals affected with HMCN1-related conditions. ClinVar contains an entry for this variant (Variation ID: 2414585). An algorithm developed to predict the effect of missense changes on protein structure and function (PolyPhen-2) suggests that this variant is likely to be disruptive. In summary, the available evidence is currently insufficient to determine the role of this variant in disease. Therefore, it has been classified as a Variant of Uncertain Significance.